The following is an entry in ClinVar:

ClinVar aggregate classification (germline): Pathogenic/Likely pathogenic. Review status: criteria provided, multiple submitters, no conflicts (2 of 4 stars). 6 submissions from 6 submitters: Pathogenic (4); Likely pathogenic (2). Last evaluated 2025-05-07.

Conditions:
PHKA2-related disorder. Also called: PHKA2-related condition.
Glycogen storage disease IXa1. Also called: LIVER GLYCOGENOSIS, X-LINKED, TYPE I; Glycogen storage disease 8; GLYCOGEN STORAGE DISEASE VIII; GSD VIII. Identifiers: Orphanet 264580, MedGen C3694531, MONDO:0010598, OMIM 306000.

Submissions (6):

GeneDx
Classification: Likely pathogenic. Last evaluated: 2025-05-07. Review status: criteria provided, single submitter. Criteria: GeneDx Variant Classification Process June 2021. Collection method: clinical testing. Allele origin: germline. Affected: yes.
Comment: Not observed at significant frequency in large population cohorts (gnomAD); In silico analysis supports that this missense variant has a deleterious effect on protein structure/function; This variant is associated with the following publications: (PMID: 28627441, 28283841, 35834487, 35854365, 35257483)

Blueprint Genetics
Classification: Pathogenic for PHKA2-related disorders. Last evaluated: 2023-12-18. Review status: criteria provided, single submitter. Criteria: ACMG Guidelines, 2015. Collection method: clinical testing. Allele origin: germline. Affected: yes. Observed: 3 variant alleles.

Labcorp Genetics (formerly Invitae), Labcorp
Classification: Pathogenic for Glycogen storage disease IXa1. Last evaluated: 2023-12-07. Review status: criteria provided, single submitter. Criteria: Invitae Variant Classification Sherloc (09022015). Collection method: clinical testing. Allele origin: germline.
Comment: This sequence change replaces arginine, which is basic and polar, with glutamine, which is neutral and polar, at codon 45 of the PHKA2 protein (p.Arg45Gln). This variant is not present in population databases (gnomAD no frequency). This missense change has been observed in individual(s) with glycogen storage disease (PMID: 28627441; Invitae). In at least one individual the variant was observed to be de novo. ClinVar contains an entry for this variant (Variation ID: 653226). Advanced modeling of protein sequence and biophysical properties (such as structural, functional, and spatial information, amino acid conservation, physicochemical variation, residue mobility, and thermodynamic stability) performed at Invitae indicates that this missense variant is expected to disrupt PHKA2 protein function with a positive predictive value of 80%. This variant disrupts the p.Arg45 amino acid residue in PHKA2. Other variant(s) that disrupt this residue have been determined to be pathogenic (PMID: 21646031, 22899091, 25070466, 28627441; Invitae). This suggests that this residue is clinically significant, and that variants that disrupt this residue are likely to be disease-causing. For these reasons, this variant has been classified as Pathogenic.

Laboratory of Medical Genetics, National & Kapodistrian University of Athens
Classification: Pathogenic for Glycogen storage disease IXa1. Last evaluated: 2022-04-06. Review status: criteria provided, single submitter. Criteria: ACMG Guidelines, 2015. Collection method: clinical testing. Allele origin: germline. Affected: yes.
Comment: PM2, PM5, PP2, PP3, PP5

Centre for Human Genetics
Classification: Pathogenic for Glycogen storage disease IXa1. Last evaluated: 2020-09-17. Review status: criteria provided, single submitter. Criteria: ACMG Guidelines, 2015. Collection method: clinical testing. Allele origin: inherited. Inheritance: Autosomal recessive inheritance. Affected: yes. Observed: 1 variant allele.
Comment: Likely affecting

Revvity Omics, Revvity
Classification: Likely pathogenic for Glycogen storage disease IXa1. Last evaluated: 2019-03-27. Review status: criteria provided, single submitter. Criteria: ACMG Guidelines, 2015. Collection method: clinical testing. Allele origin: germline.

Literature cited by the submitters: PubMed 28627441 (cited by Labcorp Genetics (formerly Invitae), Labcorp); PubMed 21646031 (cited by Labcorp Genetics (formerly Invitae), Labcorp); PubMed 22899091 (cited by Labcorp Genetics (formerly Invitae), Labcorp); PubMed 25070466 (cited by Labcorp Genetics (formerly Invitae), Labcorp).

NM_000292.3(PHKA2):c.134G>A (p.Arg45Gln)

Gene: PHKA2 (phosphorylase kinase regulatory subunit alpha 2; minus strand). Cytogenetic location: Xp22.13.
Variant type: single nucleotide variant.
Coding change: c.134G>A on transcript NM_000292.3 (MANE Select); coding-DNA position 134, G replaced by A.
Protein change: p.Arg45Gln; replaces arginine 45 with glutamine.
Molecular consequence: missense variant.
Genome position (GRCh38, 1-based): chrX:18,954,357, C>T on the plus strand (G>A on the coding strand, the complement: PHKA2 is on the minus strand). VCF-style: chrX-18954357-C-T. GRCh37 (hg19) VCF-style: chrX-18972475-C-T.
Other names: short protein forms R45Q.
Identifiers: ClinVar variation 653226 (VCV000653226.17), dbSNP rs1601781024, ClinGen allele CA412377697.